The following is an entry in ClinVar:

ClinVar aggregate classification (germline): Uncertain significance. Review status: criteria provided, multiple submitters, no conflicts (2 of 4 stars). 2 submissions from 2 submitters: Uncertain significance (2). Last evaluated 2025-11-20.

Conditions:
Charcot-Marie-Tooth disease type 2. Also called: Charcot-Marie-Tooth type 2. Identifiers: Orphanet 64746, MedGen C0270914, MONDO:0018993.
Inborn genetic diseases. Identifiers: MedGen C0950123, MeSH D030342.

Submissions (2):

Ambry Genetics
Classification: Uncertain significance for Inborn genetic diseases. Last evaluated: 2025-11-20. Review status: criteria provided, single submitter. Criteria: Ambry Variant Classification Scheme 2023. Collection method: clinical testing. Allele origin: germline.

Labcorp Genetics (formerly Invitae), Labcorp
Classification: Uncertain significance for Charcot-Marie-Tooth disease type 2. Last evaluated: 2024-01-31. Review status: criteria provided, single submitter. Criteria: Invitae Variant Classification Sherloc (09022015). Collection method: clinical testing. Allele origin: germline.
Comment: This sequence change replaces alanine, which is neutral and non-polar, with proline, which is neutral and non-polar, at codon 607 of the AARS protein (p.Ala607Pro). This variant is not present in population databases (gnomAD no frequency). This variant has not been reported in the literature in individuals affected with AARS-related conditions. Advanced modeling of protein sequence and biophysical properties (such as structural, functional, and spatial information, amino acid conservation, physicochemical variation, residue mobility, and thermodynamic stability) has been performed at Invitae for this missense variant, however the output from this modeling did not meet the statistical confidence thresholds required to predict the impact of this variant on AARS protein function. In summary, the available evidence is currently insufficient to determine the role of this variant in disease. Therefore, it has been classified as a Variant of Uncertain Significance.

NM_001605.3(AARS1):c.1819G>C (p.Ala607Pro)

Gene: AARS1 (alanyl-tRNA synthetase 1; minus strand). Cytogenetic location: 16q22.1.
Variant type: single nucleotide variant.
Coding change: c.1819G>C on transcript NM_001605.3 (MANE Select); coding-DNA position 1819, G replaced by C.
Protein change: p.Ala607Pro; replaces alanine 607 with proline.
Molecular consequence: missense variant.
Genome position (GRCh38, 1-based): chr16:70,259,153, C>G on the plus strand (G>C on the coding strand, the complement: AARS1 is on the minus strand). VCF-style: chr16-70259153-C-G. GRCh37 (hg19) VCF-style: chr16-70293056-C-G.
Other names: short protein forms A607P.
Identifiers: ClinVar variation 3637556 (VCV003637556.3).